The following is an entry in ClinVar:

NM_001039591.3(USP9X):c.1162-18T>A

Gene: USP9X (ubiquitin specific peptidase 9 X-linked; plus strand). Cytogenetic location: Xp11.4.
Variant type: single nucleotide variant.
Coding change: c.1162-18T>A on transcript NM_001039591.3 (MANE Select); 18 bases into the intron before coding-DNA position 1162, T replaced by A.
Molecular consequence: intron variant.
Genome position (GRCh38, 1-based): chrX:41,143,273, T>A. VCF-style: chrX-41143273-T-A. GRCh37 (hg19) VCF-style: chrX-41002526-T-A.
Other names: c.1162-18T>A (NM_001410748.1, NM_001410749.1, NM_001039590.3).
Identifiers: ClinVar variation 2715153 (VCV002715153.3), dbSNP rs2519139385, ClinGen allele CA2697553021.
Genomic context (GRCh38, chrX:41,143,273, plus strand): 5'-ATTTAATAATAGTGTGAGCAATTAAGAAAAAATTGTTTTAATTTCTGCTTTCAAACACGT[T>A]TTTGAATTAACATTTAGGAATGGATACAGCAGAACAATATCTTATCCATAGTGTTGCGAG-3'

ClinVar aggregate classification (germline): Uncertain significance (1 of 4 stars; one submission).

Submission:

Labcorp Genetics (formerly Invitae), Labcorp
Classification: Uncertain significance. Last evaluated: 2023-06-21. Review status: criteria provided, single submitter. Criteria: Invitae Variant Classification Sherloc (09022015). Collection method: clinical testing. Allele origin: germline.
Comment: In summary, the available evidence is currently insufficient to determine the role of this variant in disease. Therefore, it has been classified as a Variant of Uncertain Significance. Algorithms developed to predict the effect of sequence changes on RNA splicing suggest that this variant may create or strengthen a splice site. This variant has not been reported in the literature in individuals affected with USP9X-related conditions. This variant is not present in population databases (gnomAD no frequency). This sequence change falls in intron 9 of the USP9X gene. It does not directly change the encoded amino acid sequence of the USP9X protein.